The following is an entry in ClinVar:

ClinVar aggregate classification (germline): Uncertain significance (1 of 4 stars; one submission).

Conditions:
Gastrointestinal stromal tumor. Also called: Gastrointestinal stromal tumor, somatic; Gastrointestinal stroma tumor. Identifiers: Orphanet 44890, MedGen C0238198, MeSH D046152, MONDO:0011719, OMIM 606764, HP:0100723.

Submission:

Labcorp Genetics (formerly Invitae), Labcorp
Classification: Uncertain significance for Gastrointestinal stromal tumor. Last evaluated: 2022-12-22. Review status: criteria provided, single submitter. Criteria: Invitae Variant Classification Sherloc (09022015). Collection method: clinical testing. Allele origin: germline.
Comment: Algorithms developed to predict the effect of sequence changes on RNA splicing suggest that this variant may disrupt the consensus splice site. In summary, the available evidence is currently insufficient to determine the role of this variant in disease. Therefore, it has been classified as a Variant of Uncertain Significance. This sequence change creates a premature translational stop signal (p.Tyr249*) in the PDGFRA gene. It is expected to result in an absent or disrupted protein product. However, the current clinical and genetic evidence is not sufficient to establish whether loss-of-function variants in PDGFRA cause disease. This variant is not present in population databases (gnomAD no frequency). This variant has not been reported in the literature in individuals affected with PDGFRA-related conditions.

NM_006206.6(PDGFRA):c.747C>G (p.Tyr249Ter)

Gene: PDGFRA (platelet derived growth factor receptor alpha; plus strand). Cytogenetic location: 4q12.
Variant type: single nucleotide variant.
Coding change: c.747C>G on transcript NM_006206.6 (MANE Select); coding-DNA position 747, C replaced by G.
Protein change: p.Tyr249Ter; replaces tyrosine 249 with a stop codon.
Molecular consequence: nonsense.
Genome position (GRCh38, 1-based): chr4:54,265,037, C>G. VCF-style: chr4-54265037-C-G. GRCh37 (hg19) VCF-style: chr4-55131204-C-G.
Other names: c.747C>G, p.Tyr249Ter (NM_001347827.2, NM_001347829.2); c.822C>G, p.Tyr274Ter (NM_001347828.2); c.786C>G, p.Tyr262Ter (NM_001347830.2); short protein forms Y262*, Y249*, Y274*.
Identifiers: ClinVar variation 2823358 (VCV002823358.3), dbSNP rs2110258651, ClinGen allele CA356891011.